The following is an entry in ClinVar:

ClinVar aggregate classification (germline): Conflicting classifications of pathogenicity. Review status: criteria provided, conflicting classifications (1 of 4 stars). 6 submissions from 6 submitters: Uncertain significance (1); Benign (1); Likely benign (4). Last evaluated 2026-01-20.

Conditions:
Inborn genetic diseases. Identifiers: MedGen C0950123, MeSH D030342.
Alport syndrome. Also called: Hemorrhagic familial nephritis; Hemorrhagic hereditary nephritis; Congenital hereditary hematuria. Identifiers: Orphanet 63, MedGen C1567741, MONDO:0018965.

Allele frequency attached by ClinVar (database versions not stated): gnomAD 0.00011 and 0.00017; TOPMed 0.00014; gnomAD exomes 0.00015 and 0.00031; ExAC 0.00031; 1000 Genomes Project 0.00160; 1000 Genomes Project 30x 0.00172.
gnomAD v4.1: 261 of 1,612,304 alleles (0.016%); highest among the groups gnomAD compares: East Asian, 0.49%; 1 homozygote.

Submissions (6):

Labcorp Genetics (formerly Invitae), Labcorp
Classification: Benign. Last evaluated: 2026-01-20. Review status: criteria provided, single submitter. Criteria: Invitae Variant Classification Sherloc (09022015). Collection method: clinical testing. Allele origin: germline.

Women's Health and Genetics/Laboratory Corporation of America, LabCorp
Classification: Likely benign. Last evaluated: 2025-10-14. Review status: criteria provided, single submitter. Criteria: LabCorp Variant Classification Summary - May 2015. Collection method: clinical testing. Allele origin: germline.
Comment: Variant summary: COL4A3 c.3882+10G>A alters a nucleotide located at a position not widely known to affect splicing. Consensus agreement among computation tools predict no significant impact on normal splicing. However, these predictions have yet to be confirmed by functional studies. The variant allele was found at a frequency of 0.00031 in 247916 control chromosomes. This frequency is not significantly higher than estimated for disease-causing variants in COL4A3, allowing no conclusion about variant significance. c.3882+10G>A has been observed in a setting of whole exome sequencing in at least one heterozygous individual affected with non-syndromic hearing loss without strong evidence for causality (e.g. Liu_2022). These report(s) do not provide unequivocal conclusions about association of the variant with Alport Syndrome. To our knowledge, no experimental evidence demonstrating an impact on protein function has been reported. The following publication has been ascertained in the context of this evaluation (PMID: 35114279). ClinVar contains an entry for this variant (Variation ID: 334776). Based on the evidence outlined above, the variant was classified as likely benign.

Ambry Genetics
Classification: Likely benign for Inborn genetic diseases. Last evaluated: 2025-04-18. Review status: criteria provided, single submitter. Criteria: Ambry Variant Classification Scheme 2023. Collection method: clinical testing. Allele origin: germline.

Blueprint Genetics
Classification: Likely benign. Last evaluated: 2024-10-28. Review status: criteria provided, single submitter. Criteria: ACMG Guidelines, 2015. Collection method: clinical testing. Allele origin: germline.

GeneDx
Classification: Likely benign. Last evaluated: 2018-08-16. Review status: criteria provided, single submitter. Criteria: GeneDx Variant Classification Process June 2021. Collection method: clinical testing. Allele origin: germline. Affected: yes.

Illumina Laboratory Services, Illumina
Classification: Uncertain significance for Alport syndrome. Last evaluated: 2018-01-13. Review status: criteria provided, single submitter. Criteria: ICSL Variant Classification Criteria 13 December 2019. Collection method: clinical testing. Allele origin: germline.

Literature cited by the submitters: PubMed 35114279 (cited by Women's Health and Genetics/Laboratory Corporation of America, LabCorp).

NM_000091.5(COL4A3):c.3882+10G>A

Genes: COL4A3 (collagen type IV alpha 3 chain; plus strand), MFF-DT (MFF divergent transcript; minus strand). Cytogenetic location: 2q36.3.
Variant type: single nucleotide variant.
Coding change: c.3882+10G>A on transcript NM_000091.5 (MANE Select); 10 bases into the intron after coding-DNA position 3882, G replaced by A.
Molecular consequence: intron variant.
Genome position (GRCh38, 1-based): chr2:227,298,822, G>A. VCF-style: chr2-227298822-G-A. GRCh37 (hg19) VCF-style: chr2-228163538-G-A.
Identifiers: ClinVar variation 334776 (VCV000334776.20), dbSNP rs78980950, ClinGen allele CA2147367.